The following is an entry in ClinVar:

NM_001193313.2(SUGCT):c.149C>G (p.Thr50Arg)

Gene: SUGCT (succinyl-CoA:glutarate-CoA transferase; plus strand). Cytogenetic location: 7p14.1.
Variant type: single nucleotide variant.
Coding change: c.149C>G on transcript NM_001193313.2 (MANE Select); coding-DNA position 149, C replaced by G.
Protein change: p.Thr50Arg; replaces threonine 50 with arginine.
Molecular consequence: missense variant.
Genome position (GRCh38, 1-based): chr7:40,180,995, C>G. VCF-style: chr7-40180995-C-G. GRCh37 (hg19) VCF-style: chr7-40220594-C-G.
Other names: p.Thr57Arg; c.149C>G, p.Thr50Arg (NM_001193311.2, NM_001193312.2, NM_024728.3); short protein forms T50R.
Identifiers: ClinVar variation 4541273 (VCV004541273.1).

ClinVar aggregate classification (germline): Uncertain significance (1 of 4 stars; one submission).

gnomAD v4.1: 1 of 1,607,264 alleles (0.000062%); highest among the groups gnomAD compares: Non-Finnish European, 0.000085%; no homozygotes.

Submission:

Mayo Clinic Laboratories, Mayo Clinic
Classification: Uncertain significance. Last evaluated: 2025-03-24. Review status: criteria provided, single submitter. Criteria: ACMG Guidelines, 2015. Collection method: clinical testing. Allele origin: germline. Observed: 1 variant allele.
Comment: PM2_supporting